The following is an entry in ClinVar:

ClinVar aggregate classification (germline): Uncertain significance. Review status: criteria provided, multiple submitters, no conflicts (2 of 4 stars). 3 submissions from 3 submitters: Uncertain significance (2). 1 of the submissions does not count toward it. Last evaluated 2026-02-10.

Conditions:
Cohen syndrome (COH1). Also called: PEPPER SYNDROME; Cutis verticis gyrata, retinitis pigmentosa, and sensorineural deafness. Identifiers: Orphanet 193, MedGen C0265223, MONDO:0008999, OMIM 216550.
VPS13B-related disorder. Also called: VPS13B-related condition.

Allele frequency attached by ClinVar (database versions not stated): gnomAD 0.00001 and 0.00003; gnomAD exomes 0.00001; ExAC 0.00002; TOPMed 0.00002; 1000 Genomes Project 30x 0.00016; 1000 Genomes Project 0.00020.
gnomAD v4.1: 24 of 1,613,696 alleles (0.0015%); highest among the groups gnomAD compares: Non-Finnish European, 0.0019%; no homozygotes.

Submissions (3):

PreventionGenetics, part of Exact Sciences
Classification: Uncertain significance for VPS13B-related condition. Last evaluated: 2026-02-10. Review status: criteria provided, single submitter. Criteria: ACMG Guidelines, 2015. Collection method: clinical testing. Allele origin: germline.
Comment: The VPS13B c.7853G>A variant is predicted to result in the amino acid substitution p.Arg2618Gln. To our knowledge, this variant has not been reported in the literature. This variant is reported in 0.0040% of alleles in individuals of African descent in gnomAD. At this time, the clinical significance of this variant is uncertain due to the absence of conclusive functional and genetic evidence.

Labcorp Genetics (formerly Invitae), Labcorp
Classification: Uncertain significance for Cohen syndrome. Last evaluated: 2022-07-19. Review status: criteria provided, single submitter. Criteria: Invitae Variant Classification Sherloc (09022015). Collection method: clinical testing. Allele origin: germline.
Comment: This sequence change replaces arginine, which is basic and polar, with glutamine, which is neutral and polar, at codon 2643 of the VPS13B protein (p.Arg2643Gln). This variant is present in population databases (rs569563358, gnomAD 0.004%). This variant has not been reported in the literature in individuals affected with VPS13B-related conditions. ClinVar contains an entry for this variant (Variation ID: 528839). Algorithms developed to predict the effect of missense changes on protein structure and function are either unavailable or do not agree on the potential impact of this missense change (SIFT: "Not Available"; PolyPhen-2: "Possibly Damaging"; Align-GVGD: "Not Available"). In summary, the available evidence is currently insufficient to determine the role of this variant in disease. Therefore, it has been classified as a Variant of Uncertain Significance.

Natera, Inc.
Classification: Uncertain significance for Cohen syndrome. Last evaluated: 2019-11-11. Review status: no assertion criteria provided. Collection method: clinical testing. Allele origin: germline. Not counted in ClinVar's aggregate classification.

NM_152564.5(VPS13B):c.7853G>A (p.Arg2618Gln)

Gene: VPS13B (vacuolar protein sorting 13 homolog B; plus strand). Cytogenetic location: 8q22.2.
Variant type: single nucleotide variant.
Coding change: c.7853G>A on transcript NM_152564.5 (MANE Select); coding-DNA position 7853, G replaced by A.
Protein change: p.Arg2618Gln; replaces arginine 2618 with glutamine.
Molecular consequence: missense variant.
Genome position (GRCh38, 1-based): chr8:99,784,388, G>A. VCF-style: chr8-99784388-G-A. GRCh37 (hg19) VCF-style: chr8-100796616-G-A.
Other names: c.7928G>A, p.Arg2643Gln (NM_017890.5); c.7853G>A (NM_152564.4); short protein forms R2618Q, R2643Q.
Identifiers: ClinVar variation 528839 (VCV000528839.9), dbSNP rs569563358, ClinGen allele CA4824317.